The following is an entry in ClinVar:

NM_139057.4(ADAMTS17):c.1051A>G (p.Lys351Glu)

Gene: ADAMTS17 (ADAM metallopeptidase with thrombospondin type 1 motif 17; minus strand). Cytogenetic location: 15q26.3.
Variant type: single nucleotide variant.
Coding change: c.1051A>G on transcript NM_139057.4 (MANE Select); coding-DNA position 1051, A replaced by G.
Protein change: p.Lys351Glu; replaces lysine 351 with glutamic acid.
Molecular consequence: missense variant.
Genome position (GRCh38, 1-based): chr15:100,254,160, T>C on the plus strand (A>G on the coding strand, the complement: ADAMTS17 is on the minus strand). VCF-style: chr15-100254160-T-C. GRCh37 (hg19) VCF-style: chr15-100794365-T-C.
Other names: short protein forms K351E.
Identifiers: ClinVar variation 1372684 (VCV001372684.6), dbSNP rs2141963188, ClinGen allele CA393937579.

ClinVar aggregate classification (germline): Uncertain significance (1 of 4 stars; one submission).

Submission:

Labcorp Genetics (formerly Invitae), Labcorp
Classification: Uncertain significance. Last evaluated: 2021-02-22. Review status: criteria provided, single submitter. Criteria: Invitae Variant Classification Sherloc (09022015). Collection method: clinical testing. Allele origin: germline.
Comment: This sequence change replaces lysine with glutamic acid at codon 351 of the ADAMTS17 protein (p.Lys351Glu). The lysine residue is moderately conserved and there is a small physicochemical difference between lysine and glutamic acid. This variant is not present in population databases (ExAC no frequency). This variant has not been reported in the literature in individuals with ADAMTS17-related conditions. Algorithms developed to predict the effect of missense changes on protein structure and function are either unavailable or do not agree on the potential impact of this missense change (SIFT: "Not Available"; PolyPhen-2: "Probably Damaging"; Align-GVGD: "Not Available"). In summary, the available evidence is currently insufficient to determine the role of this variant in disease. Therefore, it has been classified as a Variant of Uncertain Significance.